The following is an entry in ClinVar:

NM_000426.4(LAMA2):c.3137C>G (p.Pro1046Arg)

Gene: LAMA2 (laminin subunit alpha 2; plus strand). Cytogenetic location: 6q22.33.
Variant type: single nucleotide variant.
Coding change: c.3137C>G on transcript NM_000426.4 (MANE Select); coding-DNA position 3137, C replaced by G.
Protein change: p.Pro1046Arg; replaces proline 1046 with arginine.
Molecular consequence: missense variant.
Genome position (GRCh38, 1-based): chr6:129,300,835, C>G. VCF-style: chr6-129300835-C-G. GRCh37 (hg19) VCF-style: chr6-129621980-C-G.
Other names: c.3137C>G, p.Pro1046Arg (NM_001079823.2); short protein forms P1046R.
Identifiers: ClinVar variation 1430268 (VCV001430268.4), dbSNP rs2114461184, ClinGen allele CA365611528.

ClinVar aggregate classification (germline): Uncertain significance (1 of 4 stars; one submission).

Conditions:
LAMA2-related muscular dystrophy (LAMA2-RD). Also called: Laminin alpha 2-related dystrophy. Identifiers: MedGen C5679788, MONDO:0100228.

Submission:

Labcorp Genetics (formerly Invitae), Labcorp
Classification: Uncertain significance for LAMA2-related muscular dystrophy. Last evaluated: 2025-05-26. Review status: criteria provided, single submitter. Criteria: Invitae Variant Classification Sherloc (09022015). Collection method: clinical testing. Allele origin: germline.
Comment: This sequence change replaces proline, which is neutral and non-polar, with arginine, which is basic and polar, at codon 1046 of the LAMA2 protein (p.Pro1046Arg). This variant is not present in population databases (gnomAD no frequency). This variant has not been reported in the literature in individuals affected with LAMA2-related conditions. ClinVar contains an entry for this variant (Variation ID: 1430268). Invitae Evidence Modeling of protein sequence and biophysical properties (such as structural, functional, and spatial information, amino acid conservation, physicochemical variation, residue mobility, and thermodynamic stability) indicates that this missense variant is not expected to disrupt LAMA2 protein function with a negative predictive value of 95%. In summary, the available evidence is currently insufficient to determine the role of this variant in disease. Therefore, it has been classified as a Variant of Uncertain Significance.